The following is an entry in ClinVar:

NM_006790.3(MYOT):c.630G>A (p.Ser210=)

Genes: MYOT (myotilin; plus strand), PKD2L2-DT (PKD2L2 divergent transcript; minus strand). Cytogenetic location: 5q31.2.
Variant type: single nucleotide variant.
Coding change: c.630G>A on transcript NM_006790.3 (MANE Select); coding-DNA position 630, G replaced by A.
Protein change: p.Ser210=; no amino-acid change (serine 210 retained).
Molecular consequence: synonymous variant.
Genome position (GRCh38, 1-based): chr5:137,877,618, G>A. VCF-style: chr5-137877618-G-A. GRCh37 (hg19) VCF-style: chr5-137213307-G-A.
Other names: c.78G>A, p.Ser26= (NM_001135940.2); c.285G>A, p.Ser95= (NM_001300911.2).
Identifiers: ClinVar variation 260037 (VCV000260037.50), dbSNP rs375308029, ClinGen allele CA3422969.

ClinVar aggregate classification (germline): Benign/Likely benign. Review status: criteria provided, multiple submitters, no conflicts (2 of 4 stars). 7 submissions from 7 submitters: Benign (3); Likely benign (4). Last evaluated 2025-12-01.

Conditions:
Myofibrillar myopathy 3 (MFM3). Also called: Autosomal dominant spheroid body myopathy; Muscular dystrophy, proximal, type 1A. Identifiers: Orphanet 266, Orphanet 268129, MedGen C3714934, MONDO:0012215, OMIM 609200.

Allele frequency attached by ClinVar (database versions not stated): gnomAD 0.00001 and 0.00038; ESP Exome Variant Server 0.00008; TOPMed 0.00008; gnomAD exomes 0.00066 and 0.00152; ExAC 0.00182; 1000 Genomes Project 30x 0.00312; 1000 Genomes Project 0.00379.
gnomAD v4.1: 1,023 of 1,607,142 alleles (0.064%); highest among the groups gnomAD compares: South Asian, 1.1%; 25 homozygotes.

Submissions (7):

Labcorp Genetics (formerly Invitae), Labcorp
Classification: Benign for Myofibrillar myopathy 3. Last evaluated: 2025-12-01. Review status: criteria provided, single submitter. Criteria: Invitae Variant Classification Sherloc (09022015). Collection method: clinical testing. Allele origin: germline.

Blueprint Genetics
Classification: Likely benign. Last evaluated: 2024-10-28. Review status: criteria provided, single submitter. Criteria: ACMG Guidelines, 2015. Collection method: clinical testing. Allele origin: germline.

CeGaT Center for Human Genetics Tuebingen
Classification: Benign. Last evaluated: 2023-01-01. Review status: criteria provided, single submitter. Criteria: CeGaT Center For Human Genetics Tuebingen Variant Classification Criteria Version 2. Collection method: clinical testing. Allele origin: germline. Affected: yes. Observed: 1 variant allele.
Comment: MYOT: BP4, BP7, BS1, BS2; PKD2L2-DT: BS1, BS2

GeneDx
Classification: Likely benign. Last evaluated: 2020-06-02. Review status: criteria provided, single submitter. Criteria: GeneDx Variant Classification Process June 2021. Collection method: clinical testing. Allele origin: germline. Affected: yes.

Eurofins Ntd Llc (ga)
Classification: Benign. Last evaluated: 2016-01-05. Review status: criteria provided, single submitter. Criteria: EGL Classification Definitions 2015. Collection method: clinical testing. Allele origin: germline. Observed: 1 variant allele, 1 heterozygote.

Breakthrough Genomics
Classification: Likely benign. Review status: criteria provided, single submitter. Criteria: ACMG Guidelines, 2015. Collection method: not provided. Allele origin: germline. Inheritance: Autosomal dominant inheritance. Affected: yes.

PreventionGenetics, part of Exact Sciences
Classification: Likely benign. Review status: criteria provided, single submitter. Criteria: ACMG Guidelines, 2015. Collection method: clinical testing. Allele origin: germline.